The following is an entry in ClinVar:

ClinVar aggregate classification (germline): Uncertain significance (1 of 4 stars; one submission).

Conditions:
Holocarboxylase synthetase deficiency. Also called: MULTIPLE CARBOXYLASE DEFICIENCY, EARLY ONSET. Identifiers: Orphanet 79242, MedGen C0268581, MONDO:0009666, OMIM 253270.

Submission:

Labcorp Genetics (formerly Invitae), Labcorp
Classification: Uncertain significance for Holocarboxylase synthetase deficiency. Last evaluated: 2022-07-06. Review status: criteria provided, single submitter. Criteria: Invitae Variant Classification Sherloc (09022015). Collection method: clinical testing. Allele origin: germline.
Comment: This variant has not been reported in the literature in individuals affected with HLCS-related conditions. This sequence change replaces cysteine, which is neutral and slightly polar, with arginine, which is basic and polar, at codon 214 of the HLCS protein (p.Cys214Arg). This variant is not present in population databases (gnomAD no frequency). Algorithms developed to predict the effect of missense changes on protein structure and function are either unavailable or do not agree on the potential impact of this missense change (SIFT: "Tolerated"; PolyPhen-2: "Probably Damaging"; Align-GVGD: "Class C0"). In summary, the available evidence is currently insufficient to determine the role of this variant in disease. Therefore, it has been classified as a Variant of Uncertain Significance.

NM_001352514.2(HLCS):c.1081T>C (p.Cys361Arg)

Gene: HLCS (holocarboxylase synthetase; minus strand). Cytogenetic location: 21q22.13.
Variant type: single nucleotide variant.
Coding change: c.1081T>C on transcript NM_001352514.2 (MANE Select); coding-DNA position 1081, T replaced by C.
Protein change: p.Cys361Arg; replaces cysteine 361 with arginine.
Molecular consequence: missense variant. On other transcripts: non-coding transcript variant (2).
Genome position (GRCh38, 1-based): chr21:36,936,805, A>G on the plus strand (T>C on the coding strand, the complement: HLCS is on the minus strand). VCF-style: chr21-36936805-A-G. GRCh37 (hg19) VCF-style: chr21-38309105-A-G.
Other names: c.640T>C, p.Cys214Arg (NM_000411.8, NM_001242784.3, NM_001242785.2 and 4 more transcripts); short protein forms C214R, C361R.
Identifiers: ClinVar variation 2014635 (VCV002014635.4), dbSNP rs1257529869, ClinGen allele CA409912614.